The following is an entry in ClinVar:

NM_000169.3(GLA):c.733_734insC (p.Trp245fs)

Genes: GLA (galactosidase alpha; minus strand), RPL36A-HNRNPH2 (RPL36A-HNRNPH2 readthrough; plus strand). Cytogenetic location: Xq22.1.
Variant type: Insertion.
Coding change: c.733_734insC on transcript NM_000169.3 (MANE Select); coding-DNA positions 733 to 734, C inserted.
Protein change: p.Trp245fs; shifts the reading frame from tryptophan 245.
Molecular consequence: frameshift variant. On other transcripts: non-coding transcript variant (3), intron variant (2).
Genome position: GRCh38 VCF-style: chrX-101398852-C-CG. GRCh37 (hg19) VCF-style: chrX-100653840-C-CG.
Other names: c.856_857insC, p.Trp286fs (NM_001406747.1); c.733_734insC, p.Trp245fs (NM_001406748.1); c.300+3395_300+3396insG (NM_001199973.2); c.177+7030_177+7031insG (NM_001199974.2); short protein forms W245fs, W286fs.
Identifiers: ClinVar variation 4086997 (VCV004086997.1).

ClinVar aggregate classification (germline): Pathogenic (1 of 4 stars; one submission).

Conditions:
Fabry disease. Also called: Fabry's disease; ALPHA-GALACTOSIDASE A DEFICIENCY; ANDERSON-FABRY DISEASE; CERAMIDE TRIHEXOSIDASE DEFICIENCY; GLA DEFICIENCY; HEREDITARY DYSTOPIC LIPIDOSIS. Identifiers: Orphanet 324, MedGen C0002986, MONDO:0010526, OMIM 301500, HP:0001071. Disease mechanism: Fabry disease is due to inactivating mutations in the X-linked GLA gene resulting in deficiency of the enzyme Alpha Galactosidase-A., loss of function.

Submission:

Genomenon, Inc
Classification: Pathogenic for Fabry disease. Last evaluated: 2025-09-15. Review status: criteria provided, single submitter. Criteria: Genomenon Sequence Variant Interpretation Standards. Collection method: curation. Allele origin: germline. Affected: yes.
Comment: GLA p.Trp245SerfsTer5 (c.733_734insC) is a frameshift variant that results in the production of a truncated protein which is predicted to undergo nonsense-mediated mRNA decay. This variant has been observed in proband affected with Fabry disease (PMID:22551898). It is absent or not present at a significant frequency in gnomAD. In conclusion, we classify GLA p.Trp245SerfsTer5 (c.733_734insC) as a pathogenic variant.

Literature cited by the submitters: PubMed 22551898.